The following is an entry in ClinVar:

NM_000395.3(CSF2RB):c.745G>C (p.Glu249Gln)

Gene: CSF2RB (colony stimulating factor 2 receptor subunit beta; plus strand). Cytogenetic location: 22q12.3.
Variant type: single nucleotide variant.
Coding change: c.745G>C on transcript NM_000395.3 (MANE Select); coding-DNA position 745, G replaced by C.
Protein change: p.Glu249Gln; replaces glutamic acid 249 with glutamine.
Molecular consequence: missense variant.
Genome position (GRCh38, 1-based): chr22:36,930,401, G>C. VCF-style: chr22-36930401-G-C. GRCh37 (hg19) VCF-style: chr22-37326443-G-C.
Other names: short protein forms E249Q.
Identifiers: ClinVar variation 226555 (VCV000226555.18), dbSNP rs16845, ClinGen allele CA10213576.

ClinVar aggregate classification (germline): Benign/Likely benign. Review status: criteria provided, multiple submitters, no conflicts (2 of 4 stars). 6 submissions from 6 submitters: Benign (5); Likely benign (1). Last evaluated 2026-02-03.

Allele frequency attached by ClinVar (database versions not stated): gnomAD exomes 0.06301 and 0.06983; ExAC 0.07439; gnomAD 0.09874 and 0.10045; TOPMed 0.10271; 1000 Genomes Project 0.10403; ESP Exome Variant Server 0.10780; 1000 Genomes Project 30x 0.10821.
gnomAD v4.1: 107,425 of 1,613,500 alleles (6.7%); highest among the groups gnomAD compares: African/African-American, 22%; 5,117 homozygotes.

Submissions (6):

Labcorp Genetics (formerly Invitae), Labcorp
Classification: Benign. Last evaluated: 2026-02-03. Review status: criteria provided, single submitter. Criteria: Invitae Variant Classification Sherloc (09022015). Collection method: clinical testing. Allele origin: germline.

Mayo Clinic Laboratories, Mayo Clinic
Classification: Benign. Last evaluated: 2025-08-11. Review status: criteria provided, single submitter. Criteria: ACMG Guidelines, 2015. Collection method: clinical testing. Allele origin: germline. Observed: 2 variant alleles.
Comment: BA1, BP4_moderate

Blueprint Genetics
Classification: Likely benign. Last evaluated: 2024-11-28. Review status: criteria provided, single submitter. Criteria: ACMG Guidelines, 2015. Collection method: clinical testing. Allele origin: germline.

GeneDx
Classification: Benign. Last evaluated: 2018-12-22. Review status: criteria provided, single submitter. Criteria: GeneDx Variant Classification Process June 2021. Collection method: clinical testing. Allele origin: germline. Affected: yes.

Laboratory for Molecular Medicine, Mass General Brigham Personalized Medicine
Classification: Benign. Last evaluated: 2014-11-24. Review status: criteria provided, single submitter. Criteria: LMM Criteria. Collection method: clinical testing. Allele origin: germline. Observed: 12 variant alleles.
Comment: Glu249Gln in exon 7 of CSF2RB: This variant is not expected to have clinical sig nificance because it has been identified in 21.2% (934/4406) of African American chromosomes from a broad population by the NHLBI Exome Sequencing Project (dbSNP rs16845).

Breakthrough Genomics
Classification: Benign. Review status: criteria provided, single submitter. Criteria: ACMG Guidelines, 2015. Collection method: not provided. Allele origin: germline. Inheritance: Autosomal recessive inheritance. Affected: yes.

Literature cited by the submitters: PubMed 32508047 (cited by Mayo Clinic Laboratories, Mayo Clinic).